The following is an entry in ClinVar:

NM_003742.4(ABCB11):c.1308G>C (p.Lys436Asn)

Gene: ABCB11 (ATP binding cassette subfamily B member 11; minus strand). Cytogenetic location: 2q31.1.
Variant type: single nucleotide variant.
Coding change: c.1308G>C on transcript NM_003742.4 (MANE Select); coding-DNA position 1308, G replaced by C.
Protein change: p.Lys436Asn; replaces lysine 436 with asparagine.
Molecular consequence: missense variant.
Genome position (GRCh38, 1-based): chr2:168,976,577, C>G on the plus strand (G>C on the coding strand, the complement: ABCB11 is on the minus strand). VCF-style: chr2-168976577-C-G. GRCh37 (hg19) VCF-style: chr2-169833087-C-G.
Other names: short protein forms K436N.
Identifiers: ClinVar variation 3385292 (VCV003385292.2).
Genomic context (GRCh38, chr2:168,976,577, plus strand): 5'-TGCAAATAAATCATCGAAGAAGAAAACATTTACTATTCTGGGGAACAGACCAGCACTCAC[C>G]TTCACCTCTGGTCTGGAAGGATAATGGAAGGTCACATTATGGAATTCAATTTCACCCTTG-3'
Protein context (NP_003733.2, residues 426-446): TFHYPSRPEV[Lys436Asn]ILNDLNMVIK

ClinVar aggregate classification (germline): Uncertain significance. Review status: criteria provided, multiple submitters, no conflicts (2 of 4 stars). 2 submissions from 2 submitters: Uncertain significance (2). Last evaluated 2026-04-14.

Conditions:
Familial intrahepatic cholestasis. Identifiers: Orphanet 284385, MedGen CN296401, MONDO:0017290.

Submissions (2):

Genomenon, Inc
Classification: Uncertain significance for Familial intrahepatic cholestasis. Last evaluated: 2026-04-14. Review status: criteria provided, single submitter. Criteria: Genomenon Sequence Variant Interpretation Standards - Updated. Collection method: curation. Allele origin: germline. Affected: no.
Comment: ABCB11 p.Lys436Asn (c.1308G>C) is a missense variant that changes the amino acid at residue 436 from Lysine to Asparagine. This variant has been reported in the published literature (PMID:23279303;32808743). It is absent or not present at a significant frequency in gnomAD. In silico models predict that this variant is possibly or probably damaging. In conclusion, we classify ABCB11 p.Lys436Asn (c.1308G>C) as a variant of uncertain significance.

Women's Health and Genetics/Laboratory Corporation of America, LabCorp
Classification: Uncertain significance. Last evaluated: 2024-10-15. Review status: criteria provided, single submitter. Criteria: LabCorp Variant Classification Summary - May 2015. Collection method: clinical testing. Allele origin: germline.
Comment: Variant summary: ABCB11 c.1308G>C (p.Lys436Asn) results in a non-conservative amino acid change located in the ABC transporter-like, ATP-binding domain of the encoded protein sequence. Three of five in-silico tools predict a damaging effect of the variant on protein function. Several computational tools predict a significant impact on normal splicing: Two predict the variant weakens a 5' donor site. Two predict the variant has no significant impact on splicing. However, these predictions have yet to be confirmed by functional studies. The variant was absent in 242318 control chromosomes. The available data on variant occurrences in the general population are insufficient to allow any conclusion about variant significance. c.1308G>C has been reported in the literature in at least one compound heterozygous individual affected with transient neonatal cholestasis (e.g., Li_2020, Liu_2013). These data do not allow any conclusion about variant significance. To our knowledge, no experimental evidence demonstrating an impact on protein function has been reported. The following publications have been ascertained in the context of this evaluation (PMID: 32808743, 23279303). No submitters have cited clinical-significance assessments for this variant to ClinVar. Based on the evidence outlined above, the variant was classified as uncertain significance.

Literature cited by the submitters: PubMed 23279303 (cited by Genomenon, Inc and Women's Health and Genetics/Laboratory Corporation of America, LabCorp); PubMed 32808743 (cited by Genomenon, Inc and Women's Health and Genetics/Laboratory Corporation of America, LabCorp).